The following is an entry in ClinVar:

NM_153267.5(MAMDC2):c.58G>A (p.Asp20Asn)

Gene: MAMDC2 (MAM domain containing 2; plus strand). Cytogenetic location: 9q21.12.
Variant type: single nucleotide variant.
Coding change: c.58G>A on transcript NM_153267.5 (MANE Select); coding-DNA position 58, G replaced by A.
Protein change: p.Asp20Asn; replaces aspartic acid 20 with asparagine.
Molecular consequence: missense variant. On other transcripts: non-coding transcript variant (1).
Genome position (GRCh38, 1-based): chr9:70,044,607, G>A. VCF-style: chr9-70044607-G-A. GRCh37 (hg19) VCF-style: chr9-72659523-G-A.
Other names: c.58G>A, p.Asp20Asn (NM_001347990.2); short protein forms D20N.
Identifiers: ClinVar variation 161822 (VCV000161822.2), dbSNP rs193920950, ClinGen allele CA174850.

ClinVar aggregate classification (germline): Uncertain significance (0 of 4 stars; one submission).

Conditions:
Prostate cancer. Also called: Malignant tumor of prostate. Identifiers: Orphanet 1331, MedGen C0376358, MONDO:0008315, HP:0012125.

Allele frequency attached by ClinVar (database versions not stated): TOPMed below 0.00001.
gnomAD v4.1: 9 of 1,550,610 alleles (0.00058%); highest among the groups gnomAD compares: African/African-American, 0.0014%; no homozygotes.

Submission:

Science for Life laboratory,  Karolinska Institutet
Classification: Uncertain significance for Malignant tumor of prostate. Review status: no assertion criteria provided. Collection method: not provided. Allele origin: somatic.
Comment: TumorID:SWE-2
ClinVar note: Converted during submission from Unknown to Uncertain significance.